The following is an entry in ClinVar:

NM_000152.5(GAA):c.1514A>C (p.Glu505Ala)

Gene: GAA (alpha glucosidase; plus strand). Cytogenetic location: 17q25.3.
Variant type: single nucleotide variant.
Coding change: c.1514A>C on transcript NM_000152.5 (MANE Select); coding-DNA position 1514, A replaced by C.
Protein change: p.Glu505Ala; replaces glutamic acid 505 with alanine.
Molecular consequence: missense variant.
Genome position (GRCh38, 1-based): chr17:80,110,803, A>C. VCF-style: chr17-80110803-A-C. GRCh37 (hg19) VCF-style: chr17-78084602-A-C.
Other names: c.1514A>C, p.Glu505Ala (NM_001079803.3, NM_001079804.3); short protein forms E505A.
Identifiers: ClinVar variation 1514757 (VCV001514757.5), dbSNP rs1418481698, ClinGen allele CA401367077.

ClinVar aggregate classification (germline): Uncertain significance (1 of 4 stars; one submission).

Conditions:
Glycogen storage disease, type II (IOPD). Also called: GLYCOGENOSIS, GENERALIZED, CARDIAC FORM; GSD II; Glycogen storage disease type 2; Acid maltase deficiency disease; Aglucosidase alfa; Deficiency of alpha-glucosidase. Identifiers: Orphanet 365, MedGen C0017921, MONDO:0009290, OMIM 232300.

Allele frequency attached by ClinVar (database versions not stated): gnomAD exomes below 0.00001 and 0.00001.
gnomAD v4.1: 2 of 1,614,122 alleles (0.00012%); highest among the groups gnomAD compares: Admixed American, 0.0033%; no homozygotes.

Submission:

Labcorp Genetics (formerly Invitae), Labcorp
Classification: Uncertain significance for Glycogen storage disease, type II. Last evaluated: 2021-09-07. Review status: criteria provided, single submitter. Criteria: Invitae Variant Classification Sherloc (09022015). Collection method: clinical testing. Allele origin: germline.
Comment: This sequence change replaces glutamic acid with alanine at codon 505 of the GAA protein (p.Glu505Ala). The glutamic acid residue is moderately conserved and there is a moderate physicochemical difference between glutamic acid and alanine. This variant is not present in population databases (ExAC no frequency). This variant has not been reported in the literature in individuals affected with GAA-related conditions. Algorithms developed to predict the effect of missense changes on protein structure and function (SIFT, PolyPhen-2, Align-GVGD) all suggest that this variant is likely to be tolerated. In summary, the available evidence is currently insufficient to determine the role of this variant in disease. Therefore, it has been classified as a Variant of Uncertain Significance.